The following is an entry in ClinVar:

ClinVar aggregate classification (germline): Conflicting classifications of pathogenicity. Review status: criteria provided, conflicting classifications (1 of 4 stars). 2 submissions from 2 submitters: Likely pathogenic (1); Uncertain significance (1). Last evaluated 2022-08-05.

Conditions:
RP1L1-related disorder. Also called: RP1L1-related condition.

Allele frequency attached by ClinVar (database versions not stated): gnomAD exomes below 0.00001; TOPMed 0.00001.

Submissions (2):

Labcorp Genetics (formerly Invitae), Labcorp
Classification: Uncertain significance. Last evaluated: 2022-08-05. Review status: criteria provided, single submitter. Criteria: Invitae Variant Classification Sherloc (09022015). Collection method: clinical testing. Allele origin: germline.
Comment: This sequence change creates a premature translational stop signal (p.Ile154Asnfs*5) in the RP1L1 gene. It is expected to result in an absent or disrupted protein product. However, the current clinical and genetic evidence is not sufficient to establish whether loss-of-function variants in RP1L1 cause disease. This variant is not present in population databases (gnomAD no frequency). This variant has not been reported in the literature in individuals affected with RP1L1-related conditions. In summary, the available evidence is currently insufficient to determine the role of this variant in disease. Therefore, it has been classified as a Variant of Uncertain Significance.

Blueprint Genetics
Classification: Likely pathogenic for RP1L1-related disorders. Last evaluated: 2020-01-13. Review status: criteria provided, single submitter. Criteria: ACMG Guidelines, 2015. Collection method: clinical testing. Allele origin: germline. Affected: yes. Observed: 1 variant allele.

NM_178857.6(RP1L1):c.460dup (p.Ile154fs)

Gene: RP1L1 (RP1 like 1). Cytogenetic location: 8p23.1.
Variant type: Duplication.
Coding change: c.460dup on transcript NM_178857.6 (MANE Select); coding-DNA position 460, one base duplicated.
Protein change: p.Ile154fs; shifts the reading frame from isoleucine 154.
Molecular consequence: frameshift variant.
Genome position: GRCh38 VCF-style: chr8-10622741-A-AT. GRCh37 (hg19) VCF-style: chr8-10480251-A-AT.
Other names: short protein forms I154fs.
Identifiers: ClinVar variation 2189510 (VCV002189510.5), dbSNP rs1299524230, ClinGen allele CA845136104.
Genomic context (GRCh38, chr8:10,622,741, plus strand): 5'-TTCCTGTGACTGAGAACCACTGTCTGCTGGAGGCGAGGGTCCATGTTCTTAATCAGCAGT[A>AT]TCCTCCGGGGGGTTTTAAGACTCTTCCGGGAGGAGGAGGTGCCTGGGGCTTCACGCTGGC-3'